The following is an entry in ClinVar:

NM_000548.5(TSC2):c.4494-3C>A

Gene: TSC2 (TSC complex subunit 2; plus strand). Cytogenetic location: 16p13.3.
Variant type: single nucleotide variant.
Coding change: c.4494-3C>A on transcript NM_000548.5 (MANE Select); 3 bases into the intron before coding-DNA position 4494, C replaced by A.
Molecular consequence: intron variant.
Genome position (GRCh38, 1-based): chr16:2,084,948, C>A. VCF-style: chr16-2084948-C-A. GRCh37 (hg19) VCF-style: chr16-2134949-C-A.
Other names: c.2952-3C>A (NM_001406693.1, NM_001406692.1, NM_001406694.1); c.4386-3C>A (NM_001406667.1); c.4383-3C>A (NM_001406668.1); c.3894-3C>A (NM_001406680.1); c.3825-3C>A (NM_001406683.1, NM_001406682.1); c.3693-3C>A (NM_001406687.1, NM_001406688.1); c.3081-3C>A (NM_001406689.1); c.3021-3C>A (NM_001406690.1); and 26 more.
Identifiers: ClinVar variation 2626440 (VCV002626440.2), dbSNP rs2151542933, ClinGen allele CA2582342634.
Genomic context (GRCh38, chr16:2,084,948, plus strand): 5'-TGTGGGCTGTGGCTGCCCTGGCCAGGCCCTCACCTGGGTGCCCACCATCCCCTCCCTGTG[C>A]AGTTTCGTGTTCCTGCAGCTCTACCATTCCCCCTTCTTTGGCGACGAGTCAAACAAGCCA-3'

ClinVar aggregate classification (germline): Uncertain significance (1 of 4 stars; one submission).

Conditions:
Hereditary cancer-predisposing syndrome. Also called: Tumor predisposition; Hereditary Cancer Syndrome; Hereditary neoplastic syndrome; Neoplastic Syndromes, Hereditary. Identifiers: Orphanet 140162, MedGen C0027672, MeSH D009386, MONDO:0015356.

Submission:

Ambry Genetics
Classification: Uncertain significance for Hereditary cancer-predisposing syndrome. Last evaluated: 2023-08-24. Review status: criteria provided, single submitter. Criteria: Ambry Variant Classification Scheme 2023. Collection method: clinical testing. Allele origin: germline.
Comment: The c.4494-3C>A intronic variant results from a C to A substitution 3 nucleotides upstream from coding exon 34 in the TSC2 gene. This nucleotide position is not well conserved in available vertebrate species. In silico splice site analysis predicts that this alteration will result in the creation or strengthening of a novel splice acceptor site. Since supporting evidence is limited at this time, the clinical significance of this alteration remains unclear.